The following is an entry in ClinVar:

ClinVar aggregate classification (germline): Conflicting classifications of pathogenicity. Review status: criteria provided, conflicting classifications (1 of 4 stars). 2 submissions from 2 submitters: Uncertain significance (1); Likely benign (1). Last evaluated 2024-09-18.

Conditions:
Cardiovascular phenotype. Identifiers: MedGen CN230736.
Long QT syndrome (LQTS). Identifiers: MedGen C0023976, MeSH D008133, MONDO:0002442. Disease mechanism: loss of function. Inheritance: Various modes of inheritance.

Allele frequency attached by ClinVar (database versions not stated): gnomAD exomes below 0.00001; ExAC 0.00001; gnomAD 0.00001; TOPMed 0.00001; 1000 Genomes Project 0.00020; 1000 Genomes Project 30x 0.00031.
gnomAD v4.1: 5 of 1,614,104 alleles (0.00031%); highest among the groups gnomAD compares: East Asian, 0.0022%; no homozygotes.

Submissions (2):

Ambry Genetics
Classification: Likely benign for Cardiovascular phenotype. Last evaluated: 2024-09-18. Review status: criteria provided, single submitter. Criteria: Ambry Variant Classification Scheme 2023. Collection method: clinical testing. Allele origin: germline.

Labcorp Genetics (formerly Invitae), Labcorp
Classification: Uncertain significance for Long QT syndrome. Last evaluated: 2023-11-05. Review status: criteria provided, single submitter. Criteria: Invitae Variant Classification Sherloc (09022015). Collection method: clinical testing. Allele origin: germline.
Comment: This sequence change replaces threonine, which is neutral and polar, with alanine, which is neutral and non-polar, at codon 3174 of the ANK2 protein (p.Thr3174Ala). This variant is present in population databases (rs560480810, gnomAD 0.004%). This variant has not been reported in the literature in individuals affected with ANK2-related conditions. ClinVar contains an entry for this variant (Variation ID: 837099). Algorithms developed to predict the effect of missense changes on protein structure and function output the following: SIFT: "Not Available"; PolyPhen-2: "Benign"; Align-GVGD: "Not Available". The alanine amino acid residue is found in multiple mammalian species, which suggests that this missense change does not adversely affect protein function. In summary, the available evidence is currently insufficient to determine the role of this variant in disease. Therefore, it has been classified as a Variant of Uncertain Significance.

Literature cited by the submitters: PubMed 30564305 (cited by Ambry Genetics).

NM_001148.6(ANK2):c.9520A>G (p.Thr3174Ala)

Gene: ANK2 (ankyrin 2; plus strand). Cytogenetic location: 4q26.
Variant type: single nucleotide variant.
Coding change: c.9520A>G on transcript NM_001148.6 (MANE Select); coding-DNA position 9520, A replaced by G.
Protein change: p.Thr3174Ala; replaces threonine 3174 with alanine.
Molecular consequence: missense variant. On other transcripts: intron variant (68).
Genome position (GRCh38, 1-based): chr4:113,358,138, A>G. VCF-style: chr4-113358138-A-G. GRCh37 (hg19) VCF-style: chr4-114279294-A-G.
Other names: c.9286A>G, p.Thr3096Ala (NM_001386142.1); c.5920A>G, p.Thr1974Ala (NM_001386166.1); c.9661A>G, p.Thr3221Ala (NM_001386174.1); c.9637A>G, p.Thr3213Ala (NM_001386175.1); c.4412-2685A>G (NM_001386186.2, NM_001386148.2); c.4214-2685A>G (NM_001354269.3); c.4292-2685A>G (NM_001386187.2); c.4253-2685A>G (NM_001386147.1); and 35 more; short protein forms T3174A, T1974A, T3096A, T3213A, T3221A.
Identifiers: ClinVar variation 837099 (VCV000837099.8), dbSNP rs560480810, ClinGen allele CA3051929.